The following is an entry in ClinVar:

NM_000166.6(GJB1):c.195T>G (p.Tyr65Ter)

Gene: GJB1 (gap junction protein beta 1; plus strand). Cytogenetic location: Xq13.1.
Variant type: single nucleotide variant.
Coding change: c.195T>G on transcript NM_000166.6 (MANE Select); coding-DNA position 195, T replaced by G.
Protein change: p.Tyr65Ter; replaces tyrosine 65 with a stop codon.
Molecular consequence: nonsense.
Genome position (GRCh38, 1-based): chrX:71,223,902, T>G. VCF-style: chrX-71223902-T-G. GRCh37 (hg19) VCF-style: chrX-70443752-T-G.
Other names: c.195T>G, p.Tyr65Ter (NM_001097642.3); short protein forms Y65*.
Identifiers: ClinVar variation 637562 (VCV000637562.10), dbSNP rs1602348907, ClinGen allele CA413501376.
Genomic context (GRCh38, chrX:71,223,902, plus strand): 5'-TGATGAGAAATCTTCCTTCATCTGCAACACACTCCAGCCTGGCTGCAACAGCGTTTGCTA[T>G]GACCAATTCTTCCCCATCTCCCATGTGCGGCTGTGGTCCCTGCAGCTCATCCTAGTTTCC-3'

ClinVar aggregate classification (germline): Pathogenic. Review status: criteria provided, single submitter (1 of 4 stars). 3 submissions from 3 submitters: Pathogenic (1). 2 of the submissions do not count toward it. Last evaluated 2015-10-29.

Conditions:
Charcot-Marie-Tooth disease X-linked dominant 1. Also called: Charcot-Marie-Tooth Neuropathy X Type 1; X-linked Charcot-Marie-Tooth disease type 1; GJB1 Disorders: Charcot-Marie-Tooth Neuropathy (CMT1X) and Central Nervous System Phenotypes; CHARCOT-MARIE-TOOTH NEUROPATHY, X-LINKED, 1; CHARCOT-MARIE-TOOTH PERONEAL MUSCULAR ATROPHY, X-LINKED; HEREDITARY MOTOR AND SENSORY NEUROPATHY, X-LINKED. Identifiers: Orphanet 101075, MedGen C0393808, MONDO:0010549, OMIM 302800.
Charcot-Marie-Tooth disease. Also called: Charcot-Marie-Tooth Hereditary Neuropathy; Charcot-Marie-Tooth Neuropathy. Identifiers: Orphanet 166, MedGen C0007959, MONDO:0015626.
Charcot-Marie-Tooth Neuropathy X. Identifiers: MedGen CN118851.

Submissions (3):

Labcorp Genetics (formerly Invitae), Labcorp
Classification: Pathogenic for Charcot-Marie-Tooth Neuropathy X. Last evaluated: 2015-10-29. Review status: criteria provided, single submitter. Criteria: Invitae Variant Classification Sherloc (09022015). Collection method: clinical testing. Allele origin: germline.
Comment: For these reasons, this variant has been classified as Pathogenic. Truncating variants in GJB1 are known to be pathogenic. This particular truncation has been reported in the literature in an individual affected with Charcot-Marie-Tooth Disease, type 1X (PMID: 22464564). This sequence change creates a premature translational stop signal at codon 65 (p.Tyr65*). It is expected to result in an absent or disrupted protein product.

Inherited Neuropathy Consortium Ii, University Of Miami
Classification: Uncertain significance for Charcot-Marie-Tooth disease X-linked dominant 1. Last evaluated: 2016-01-06. Review status: no assertion criteria provided. Collection method: literature only. Allele origin: germline. Affected: yes. Not counted in ClinVar's aggregate classification.

Inherited Neuropathy Consortium
Classification: Uncertain significance for Charcot-Marie-Tooth disease. Review status: no assertion criteria provided. Collection method: literature only. Allele origin: germline. Affected: yes. Not counted in ClinVar's aggregate classification.

Literature cited by the submitters: PubMed 22464564 (cited by 3 submitters).